The following is an entry in ClinVar:

NM_007294.4(BRCA1):c.246del (p.Val83fs)

Gene: BRCA1 (BRCA1 DNA repair associated; minus strand). Cytogenetic location: 17q21.31.
Variant type: Deletion.
Coding change: c.246del on transcript NM_007294.4 (MANE Select); coding-DNA position 246, one base deleted (T; older notation c.246delT).
Protein change: p.Val83fs; shifts the reading frame from valine 83.
Molecular consequence: frameshift variant. On other transcripts: non-coding transcript variant (1).
Genome position (GRCh38, 1-based): chr17:43,104,923, A deleted on the plus strand (T on the coding strand, the reverse complement: BRCA1 is on the minus strand); the first of 2 consecutive A bases (chr17:43,104,923-43,104,924); deleting either gives the same sequence. VCF-style (leftmost placement, unchanged base first): chr17-43104922-CA-C. GRCh37 (hg19) VCF-style: chr17-41256939-CA-C.
Other names: 365delT; c.245delT, p.Val83Leufs (NM_001408440.1, NM_001408441.1, NM_001408442.1 and 167 more transcripts); c.113delT, p.Val39Leufs (NM_001408451.1); c.104delT, p.Val36Leufs (NM_001408452.1, NM_001408453.1, NM_001408454.1 and 98 more transcripts); c.167delT, p.Val57Leufs (NM_001408474.1, NM_001408475.1, NM_001408476.1 and 21 more transcripts); c.35delT, p.Val13Leufs (NM_001408478.1, NM_001408479.1, NM_001408480.1 and 58 more transcripts); c.-137delT (NM_001408510.1, NM_001408512.1, NM_001407959.1 and 4 more transcripts); c.105del, p.Val36fs (NM_007297.4); and 1 more; short protein forms V36fs, V83fs.
Identifiers: ClinVar variation 266264 (VCV000266264.7), dbSNP rs886040039, ClinGen allele CA10590027.

ClinVar aggregate classification (germline): Pathogenic. Review status: reviewed by expert panel (3 of 4 stars). 2 submissions from 2 submitters: Pathogenic (1). 1 of the submissions does not count toward it. Last evaluated 2016-10-18.

Conditions:
Breast-ovarian cancer, familial, susceptibility to, 1 (BROVCA1). Also called: BRCA1 Hereditary Breast and Ovarian Cancer; OVARIAN CANCER, SUSCEPTIBILITY TO. Identifiers: Orphanet 145, MedGen C2676676, MONDO:0011450, OMIM 604370. Disease mechanism: loss of function.

Submissions (2):

Evidence-based Network for the Interpretation of Germline Mutant Alleles (ENIGMA)
Classification: Pathogenic for Breast-ovarian cancer, familial, susceptibility to, 1. Last evaluated: 2016-10-18. Review status: reviewed by expert panel. Criteria: ENIGMA BRCA1/2 Classification Criteria (2015). Collection method: curation. Allele origin: germline.
Comment: Variant allele predicted to encode a truncated non-functional protein.

Consortium of Investigators of Modifiers of BRCA1/2 (CIMBA), c/o University of Cambridge
Classification: Pathogenic for Breast-ovarian cancer, familial, susceptibility to, 1. Last evaluated: 2015-10-02. Review status: criteria provided, single submitter. Criteria: CIMBA Mutation Classification guidelines May 2016. Collection method: clinical testing. Allele origin: germline. Not counted in ClinVar's aggregate classification.